The following is an entry in ClinVar:

NM_203447.4(DOCK8):c.2830G>C (p.Asp944His)

Gene: DOCK8 (dedicator of cytokinesis 8; plus strand). Cytogenetic location: 9p24.3.
Variant type: single nucleotide variant.
Coding change: c.2830G>C on transcript NM_203447.4 (MANE Select); coding-DNA position 2830, G replaced by C.
Protein change: p.Asp944His; replaces aspartic acid 944 with histidine.
Molecular consequence: missense variant. On other transcripts: intron variant (1).
Genome position (GRCh38, 1-based): chr9:386,382, G>C. VCF-style: chr9-386382-G-C. GRCh37 (hg19) VCF-style: chr9-386382-G-C.
Other names: c.2626G>C, p.Asp876His (NM_001193536.2); c.2574+3697G>C (NM_001190458.2); short protein forms D944H, D876H.
Identifiers: ClinVar variation 1521749 (VCV001521749.6), dbSNP rs745323918, ClinGen allele CA4958368.

ClinVar aggregate classification (germline): Uncertain significance (1 of 4 stars; one submission).

Conditions:
Combined immunodeficiency due to DOCK8 deficiency (HIES2). Also called: HIES autosomal recessive; DOCK8 Deficiency; HYPER-IgE SYNDROME 2, AUTOSOMAL RECESSIVE, WITH RECURRENT INFECTIONS; Hyper-IgE recurrent infection syndrome, autosomal recessive; HYPER-IgE RECURRENT INFECTION SYNDROME 2, AUTOSOMAL RECESSIVE. Identifiers: Orphanet 217390, MedGen C4722305, MONDO:0009478, OMIM 243700.

Allele frequency attached by ClinVar (database versions not stated): gnomAD 0.00001; gnomAD exomes 0.00001; ExAC 0.00002.
gnomAD v4.1: 41 of 1,613,838 alleles (0.0025%); highest among the groups gnomAD compares: Non-Finnish European, 0.0034%; no homozygotes.

Submission:

Labcorp Genetics (formerly Invitae), Labcorp
Classification: Uncertain significance for Combined immunodeficiency due to DOCK8 deficiency. Last evaluated: 2022-06-28. Review status: criteria provided, single submitter. Criteria: Invitae Variant Classification Sherloc (09022015). Collection method: clinical testing. Allele origin: germline.
Comment: This sequence change replaces aspartic acid, which is acidic and polar, with histidine, which is basic and polar, at codon 944 of the DOCK8 protein (p.Asp944His). This variant is present in population databases (rs745323918, gnomAD 0.003%). This variant has not been reported in the literature in individuals affected with DOCK8-related conditions. Algorithms developed to predict the effect of missense changes on protein structure and function (SIFT, PolyPhen-2, Align-GVGD) all suggest that this variant is likely to be tolerated. In summary, the available evidence is currently insufficient to determine the role of this variant in disease. Therefore, it has been classified as a Variant of Uncertain Significance.